The following is an entry in ClinVar:

ClinVar aggregate classification (germline): Uncertain significance (1 of 4 stars; one submission).

Allele frequency attached by ClinVar (database versions not stated): gnomAD exomes below 0.00001; TOPMed 0.00001.
gnomAD v4.1: 5 of 1,613,878 alleles (0.00031%); highest among the groups gnomAD compares: Admixed American, 0.0017%; no homozygotes.

Submission:

Labcorp Genetics (formerly Invitae), Labcorp
Classification: Uncertain significance. Last evaluated: 2022-05-08. Review status: criteria provided, single submitter. Criteria: Invitae Variant Classification Sherloc (09022015). Collection method: clinical testing. Allele origin: germline.
Comment: This variant is not present in population databases (gnomAD no frequency). In summary, the available evidence is currently insufficient to determine the role of this variant in disease. Therefore, it has been classified as a Variant of Uncertain Significance. Algorithms developed to predict the effect of missense changes on protein structure and function (SIFT, PolyPhen-2, Align-GVGD) all suggest that this variant is likely to be disruptive. This variant has not been reported in the literature in individuals affected with MPDZ-related conditions. This sequence change replaces serine, which is neutral and polar, with glycine, which is neutral and non-polar, at codon 1374 of the MPDZ protein (p.Ser1374Gly).

NM_001378778.1(MPDZ):c.4120A>G (p.Ser1374Gly)

Gene: MPDZ (multiple PDZ domain crumbs cell polarity complex component; minus strand). Cytogenetic location: 9p23.
Variant type: single nucleotide variant.
Coding change: c.4120A>G on transcript NM_001378778.1 (MANE Select); coding-DNA position 4120, A replaced by G.
Protein change: p.Ser1374Gly; replaces serine 1374 with glycine.
Molecular consequence: missense variant.
Genome position (GRCh38, 1-based): chr9:13,138,037, T>C on the plus strand (A>G on the coding strand, the complement: MPDZ is on the minus strand). VCF-style: chr9-13138037-T-C. GRCh37 (hg19) VCF-style: chr9-13138036-T-C.
Other names: c.4021A>G, p.Ser1341Gly (NM_001261406.2, NM_001261407.2, NM_001375416.1 and 3 more transcripts); c.4120A>G, p.Ser1374Gly (NM_001330637.2, NM_001375413.1, NM_003829.5); c.3910A>G, p.Ser1304Gly (NM_001375420.1, NM_001375421.1, NM_001375422.1 and 4 more transcripts); c.3712A>G, p.Ser1238Gly (NM_001375427.1); short protein forms S1238G, S1374G, S1304G, S1341G.
Identifiers: ClinVar variation 2125938 (VCV002125938.4), dbSNP rs990451821, ClinGen allele CA189298526.
Genomic context (GRCh38, chr9:13,138,037, plus strand): 5'-TTTGCAATCGACCATCTTTTCCTGCAGCTCCATTTGGATCAATCCCCACTATGAAGACAC[T>C]CATCCTGGATCGGTCTTTGTTCCCAGCAAGACTTAGGCCCAAACCACTATGACCTTTCTC-3'
Protein context (NP_001365707.1, residues 1364-1384): LAGNKDRSRM[Ser1374Gly]VFIVGIDPNG